The following is an entry in ClinVar:

NM_006031.6(PCNT):c.2609+211T>C

Gene: PCNT (pericentrin; plus strand). Cytogenetic location: 21q22.3.
Variant type: single nucleotide variant.
Coding change: c.2609+211T>C on transcript NM_006031.6 (MANE Select); 211 bases into the intron after coding-DNA position 2609, T replaced by C.
Molecular consequence: intron variant.
Genome position (GRCh38, 1-based): chr21:46,364,145, T>C. VCF-style: chr21-46364145-T-C. GRCh37 (hg19) VCF-style: chr21-47784060-T-C.
Other names: c.2255+211T>C (NM_001315529.2).
Identifiers: ClinVar variation 667799 (VCV000667799.1), dbSNP rs4819243, ClinGen allele CA322003776.

ClinVar aggregate classification (germline): Benign (1 of 4 stars; one submission).

Allele frequency attached by ClinVar (database versions not stated): gnomAD 0.99288; TOPMed 0.99346 and 0.99089; 1000 Genomes Project 0.98263.
gnomAD v4.1: 150,964 of 151,960 alleles (99%); highest among the groups gnomAD compares: Middle Eastern, 100%; 74,999 homozygotes.

Submission:

GeneDx
Classification: Benign. Last evaluated: 2018-06-16. Review status: criteria provided, single submitter. Criteria: GeneDx Variant Classification (06012015). Collection method: clinical testing. Allele origin: germline. Affected: yes.
Comment: This variant is considered likely benign or benign based on one or more of the following criteria: it is a conservative change, it occurs at a poorly conserved position in the protein, it is predicted to be benign by multiple in silico algorithms, and/or has population frequency not consistent with disease.